The following is an entry in ClinVar:

ClinVar aggregate classification (germline): Uncertain significance (1 of 4 stars; one submission).

Allele frequency attached by ClinVar (database versions not stated): gnomAD exomes below 0.00001; TOPMed below 0.00001; ExAC 0.00001.
gnomAD v4.1: 3 of 1,537,434 alleles (0.0002%); highest among the groups gnomAD compares: East Asian, 0.0024%; no homozygotes.

Submission:

Labcorp Genetics (formerly Invitae), Labcorp
Classification: Uncertain significance. Last evaluated: 2023-06-16. Review status: criteria provided, single submitter. Criteria: Invitae Variant Classification Sherloc (09022015). Collection method: clinical testing. Allele origin: germline.
Comment: In summary, the available evidence is currently insufficient to determine the role of this variant in disease. Therefore, it has been classified as a Variant of Uncertain Significance. An algorithm developed to predict the effect of missense changes on protein structure and function (PolyPhen-2) suggests that this variant is likely to be tolerated. This variant has not been reported in the literature in individuals affected with RPS6KC1-related conditions. This variant is present in population databases (rs775834541, gnomAD 0.007%). This sequence change replaces glutamine, which is neutral and polar, with arginine, which is basic and polar, at codon 46 of the RPS6KC1 protein (p.Gln46Arg).

NM_012424.6(RPS6KC1):c.137A>G (p.Gln46Arg)

Gene: RPS6KC1 (ribosomal protein S6 kinase C1; plus strand). Cytogenetic location: 1q32.3.
Variant type: single nucleotide variant.
Coding change: c.137A>G on transcript NM_012424.6 (MANE Select); coding-DNA position 137, A replaced by G.
Protein change: p.Gln46Arg; replaces glutamine 46 with arginine.
Molecular consequence: missense variant. On other transcripts: 5 prime UTR variant (26), non-coding transcript variant (3), intron variant (2).
Genome position (GRCh38, 1-based): chr1:213,071,037, A>G. VCF-style: chr1-213071037-A-G. GRCh37 (hg19) VCF-style: chr1-213244379-A-G.
Other names: c.-485A>G (NM_001287218.3, NM_001349653.2); c.-524A>G (NM_001287219.3, NM_001349649.2); c.-1078A>G (NM_001287220.3); c.-286A>G (NM_001287221.3); c.137A>G, p.Gln46Arg (NM_001349646.2, NM_001349647.2); c.-476A>G (NM_001349648.2); c.-602A>G (NM_001349650.2, NM_001349654.2); c.-723A>G (NM_001349651.2); and 17 more; short protein forms Q46R.
Identifiers: ClinVar variation 2984016 (VCV002984016.3), dbSNP rs775834541, ClinGen allele CA1387053.